The following is an entry in ClinVar:

NM_022455.5(NSD1):c.5711C>T (p.Pro1904Leu)

Gene: NSD1 (nuclear receptor binding SET domain protein 1; plus strand). Cytogenetic location: 5q35.3.
Variant type: single nucleotide variant.
Coding change: c.5711C>T on transcript NM_022455.5 (MANE Select); coding-DNA position 5711, C replaced by T.
Protein change: p.Pro1904Leu; replaces proline 1904 with leucine.
Molecular consequence: missense variant.
Genome position (GRCh38, 1-based): chr5:177,280,653, C>T. VCF-style: chr5-177280653-C-T. GRCh37 (hg19) VCF-style: chr5-176707654-C-T.
Other names: c.4838C>T, p.Pro1613Leu (NM_001409309.1, NM_172349.5, NM_001365684.2 and 1 more transcripts); c.5711C>T, p.Pro1904Leu (NM_001409301.1, NM_001409302.1, NM_001409303.1); c.5291C>T, p.Pro1764Leu (NM_001409304.1); c.4958C>T, p.Pro1653Leu (NM_001409305.1); c.4949C>T, p.Pro1650Leu (NM_001409306.1, NM_001409307.1); short protein forms P1613L, P1650L, P1653L, P1764L, P1904L.
Identifiers: ClinVar variation 3256583 (VCV003256583.1).

ClinVar aggregate classification (germline): Likely pathogenic (1 of 4 stars; one submission).

Conditions:
Sotos syndrome (SOTOS). Also called: SOTOS SYNDROME 1; CHROMOSOME 5q35 DELETION SYNDROME; CEREBRAL GIGANTISM; Sotos' syndrome; Distinctive facial appearance, overgrowth in childhood, and learning disabilities or delayed development. Identifiers: Orphanet 821, MedGen C0175695, MONDO:0019349, OMIM 117550.

Submission:

Laboratory of Medical Genetics, National & Kapodistrian University of Athens
Classification: Likely pathogenic for Sotos syndrome. Last evaluated: 2024-02-22. Review status: criteria provided, single submitter. Criteria: ACMG Guidelines, 2015. Collection method: clinical testing. Allele origin: de novo. Affected: yes.
Comment: PS2, PM1, PM2, PP3 - Low frequency in gnomAD population databases. In silico prediction tools estimated that the variant could be damaging for the protein function/stracture. The variant was detecetd de-novo (paternity confirmed).